The following is an entry in ClinVar:

NM_004448.4(ERBB2):c.3508C>G (p.Pro1170Ala)

Gene: ERBB2 (erb-b2 receptor tyrosine kinase 2; plus strand). Cytogenetic location: 17q12.
Variant type: single nucleotide variant.
Coding change: c.3508C>G on transcript NM_004448.4 (MANE Select); coding-DNA position 3508, C replaced by G.
Protein change: p.Pro1170Ala; replaces proline 1170 with alanine.
Molecular consequence: missense variant. On other transcripts: 3 prime UTR variant (2), non-coding transcript variant (1).
Genome position (GRCh38, 1-based): chr17:39,727,784, C>G. VCF-style: chr17-39727784-C-G. GRCh37 (hg19) VCF-style: chr17-37884037-C-G.
Other names: c.3421C>G, p.Pro1141Ala (NM_001382796.1); c.3409C>G, p.Pro1137Ala (NM_001382797.1); c.3352C>G, p.Pro1118Ala (NM_001382798.1); c.3328C>G, p.Pro1110Ala (NM_001382799.1); c.3322C>G, p.Pro1108Ala (NM_001382800.1); c.3304C>G, p.Pro1102Ala (NM_001382801.1); c.3250C>G, p.Pro1084Ala (NM_001382802.1); c.*87C>G (NM_001382803.1, NM_001289937.2); and 16 more; short protein forms P1140A, P1170A, P1155A, P1084A, P1102A, P1108A, P1110A, P1118A.
Identifiers: ClinVar variation 134082 (VCV000134082.12), dbSNP rs1058808, ClinGen allele CA158663.

ClinVar aggregate classification (germline): Benign. Review status: criteria provided, multiple submitters, no conflicts (2 of 4 stars). 4 submissions from 4 submitters: Benign (3). 1 of the submissions does not count toward it. Last evaluated 2026-02-04.

Allele frequency attached by ClinVar (database versions not stated): 1000 Genomes Project 30x 0.44425; 1000 Genomes Project 0.45208; TOPMed 0.49494; ESP Exome Variant Server 0.51353; gnomAD 0.51403 and 0.52060; ExAC 0.60698; gnomAD exomes 0.60943.
gnomAD v4.1: 1,034,902 of 1,612,086 alleles (64%); highest among the groups gnomAD compares: Middle Eastern, 70%; 341,648 homozygotes.

Submissions (4):

Labcorp Genetics (formerly Invitae), Labcorp
Classification: Benign. Last evaluated: 2026-02-04. Review status: criteria provided, single submitter. Criteria: Invitae Variant Classification Sherloc (09022015). Collection method: clinical testing. Allele origin: germline.

Blueprint Genetics
Classification: Benign. Last evaluated: 2024-11-28. Review status: criteria provided, single submitter. Criteria: ACMG Guidelines, 2015. Collection method: clinical testing. Allele origin: germline.

Breakthrough Genomics
Classification: Benign. Review status: criteria provided, single submitter. Criteria: ACMG Guidelines, 2015. Collection method: not provided. Allele origin: germline. Inheritance: Autosomal recessive inheritance. Affected: yes.

ITMI
No classification provided. Condition: AllHighlyPenetrant. Last evaluated: 2013-09-19. Review status: no classification provided. Collection method: reference population. Allele origin: germline. Not counted in ClinVar's aggregate classification.
Comment: Please see associated publication for description of ethnicities

Literature cited by the submitters: PubMed 24728327 (cited by ITMI).